The following is an entry in ClinVar:

ClinVar aggregate classification (germline): Uncertain significance (1 of 4 stars; one submission).

Conditions:
Intellectual developmental disorder, X-linked, syndromic 14. Also called: Syndromic X-linked intellectual disability 14. Identifiers: Orphanet 776, MedGen C1970822, MONDO:0010398, OMIM 300676.

gnomAD v4.1: 9 of 1,198,194 alleles (0.00075%); highest among the groups gnomAD compares: Admixed American, 0.0022%; no homozygotes.

Submission:

Labcorp Genetics (formerly Invitae), Labcorp
Classification: Uncertain significance for Intellectual developmental disorder, X-linked, syndromic 14. Last evaluated: 2025-08-04. Review status: criteria provided, single submitter. Criteria: Invitae Variant Classification Sherloc (09022015). Collection method: clinical testing. Allele origin: germline.
Comment: This sequence change falls in intron 6 of the UPF3B gene. It does not directly change the encoded amino acid sequence of the UPF3B protein. It affects a nucleotide within the consensus splice site. This variant is not present in population databases (gnomAD no frequency). This variant has not been reported in the literature in individuals affected with UPF3B-related conditions. ClinVar contains an entry for this variant (Variation ID: 3634926). Variants that disrupt the consensus splice site are a relatively common cause of aberrant splicing (PMID: 17576681, 9536098). Algorithms developed to predict the effect of sequence changes on RNA splicing suggest that this variant is not likely to affect RNA splicing. In summary, the available evidence is currently insufficient to determine the role of this variant in disease. Therefore, it has been classified as a Variant of Uncertain Significance.

Literature cited by the submitters: PubMed 17576681; PubMed 9536098.

NM_080632.3(UPF3B):c.625-3T>C

Gene: UPF3B (UPF3B regulator of nonsense mediated mRNA decay; minus strand). Cytogenetic location: Xq24.
Variant type: single nucleotide variant.
Coding change: c.625-3T>C on transcript NM_080632.3 (MANE Select); 3 bases into the intron before coding-DNA position 625, T replaced by C.
Molecular consequence: intron variant.
Genome position (GRCh38, 1-based): chrX:119,841,261, A>G on the plus strand (T>C on the coding strand, the complement: UPF3B is on the minus strand). VCF-style: chrX-119841261-A-G. GRCh37 (hg19) VCF-style: chrX-118975224-A-G.
Other names: c.625-3T>C (NM_023010.4).
Identifiers: ClinVar variation 3634926 (VCV003634926.2).